The following is an entry in ClinVar:

NM_183075.3(CYP2U1):c.869T>A (p.Ile290Asn)

Gene: CYP2U1 (cytochrome P450 family 2 subfamily U member 1; plus strand). Cytogenetic location: 4q25.
Variant type: single nucleotide variant.
Coding change: c.869T>A on transcript NM_183075.3 (MANE Select); coding-DNA position 869, T replaced by A.
Protein change: p.Ile290Asn; replaces isoleucine 290 with asparagine.
Molecular consequence: missense variant.
Genome position (GRCh38, 1-based): chr4:107,945,348, T>A. VCF-style: chr4-107945348-T-A. GRCh37 (hg19) VCF-style: chr4-108866504-T-A.
Other names: short protein forms I290N.
Identifiers: ClinVar variation 852558 (VCV000852558.7), dbSNP rs761095930, ClinGen allele CA3037074.

ClinVar aggregate classification (germline): Uncertain significance. Review status: criteria provided, multiple submitters, no conflicts (2 of 4 stars). 2 submissions from 2 submitters: Uncertain significance (2). Last evaluated 2025-07-02.

Conditions:
Spastic paraplegia. Identifiers: MedGen C0037772, HP:0001258.
Inborn genetic diseases. Identifiers: MedGen C0950123, MeSH D030342.

Allele frequency attached by ClinVar (database versions not stated): TOPMed 0.00001.
gnomAD v4.1: 13 of 1,613,960 alleles (0.00081%); highest among the groups gnomAD compares: Admixed American, 0.02%; no homozygotes.

Submissions (2):

Ambry Genetics
Classification: Uncertain significance for Inborn genetic diseases. Last evaluated: 2025-07-02. Review status: criteria provided, single submitter. Criteria: Ambry Variant Classification Scheme 2023. Collection method: clinical testing. Allele origin: germline.

Labcorp Genetics (formerly Invitae), Labcorp
Classification: Uncertain significance for Spastic paraplegia. Last evaluated: 2021-06-14. Review status: criteria provided, single submitter. Criteria: Invitae Variant Classification Sherloc (09022015). Collection method: clinical testing. Allele origin: germline.
Comment: This sequence change replaces isoleucine with asparagine at codon 290 of the CYP2U1 protein (p.Ile290Asn). The isoleucine residue is highly conserved and there is a large physicochemical difference between isoleucine and asparagine. In summary, the available evidence is currently insufficient to determine the role of this variant in disease. Therefore, it has been classified as a Variant of Uncertain Significance. Algorithms developed to predict the effect of missense changes on protein structure and function are either unavailable or do not agree on the potential impact of this missense change (SIFT: "Deleterious"; PolyPhen-2: "Benign"; Align-GVGD: "Class C45"). This variant has not been reported in the literature in individuals with CYP2U1-related conditions. This variant is present in population databases (rs761095930, ExAC 0.02%).